The following is an entry in ClinVar:

NM_001374353.1(GLI2):c.3572G>A (p.Arg1191His)

Gene: GLI2 (GLI family zinc finger 2; plus strand). Cytogenetic location: 2q14.2.
Variant type: single nucleotide variant.
Coding change: c.3572G>A on transcript NM_001374353.1 (MANE Select); coding-DNA position 3572, G replaced by A.
Protein change: p.Arg1191His; replaces arginine 1191 with histidine.
Molecular consequence: missense variant.
Genome position (GRCh38, 1-based): chr2:120,989,537, G>A. VCF-style: chr2-120989537-G-A. GRCh37 (hg19) VCF-style: chr2-121747113-G-A.
Other names: c.3623G>A, p.Arg1208His (NM_001371271.1, NM_005270.5); c.3197G>A, p.Arg1066His (NM_001374354.1); short protein forms R1066H, R1191H, R1208H.
Identifiers: ClinVar variation 784880 (VCV000784880.38), dbSNP rs200537256, ClinGen allele CA1852435.

ClinVar aggregate classification (germline): Likely benign. Review status: criteria provided, multiple submitters, no conflicts (2 of 4 stars). 8 submissions from 8 submitters: Likely benign (5). 3 of the submissions do not count toward it. Last evaluated 2025-08-25.

Conditions:
GLI2-related disorder. Also called: GLI2-related condition; GLI2-related disorders.
Holoprosencephaly 9 (HPE9). Also called: PITUITARY ANOMALIES WITH HOLOPROSENCEPHALY-LIKE FEATURES; HOLOPROSENCEPHALY WITH MICROPHTHALMIA AND FIRST BRANCHIAL ARCH ANOMALIES. Identifiers: Orphanet 2162, MedGen C1835819, MONDO:0012563, OMIM 610829.
Postaxial polydactyly-anterior pituitary anomalies-facial dysmorphism syndrome. Also called: Culler-Jones syndrome. Identifiers: Orphanet 420584, MedGen C4014479, MONDO:0014369, OMIM 615849.

Allele frequency attached by ClinVar (database versions not stated): gnomAD exomes 0.00013 and 0.00023; ExAC 0.00020; gnomAD 0.00029 and 0.00033; TOPMed 0.00042; ESP Exome Variant Server 0.00054; 1000 Genomes Project 30x 0.00156; 1000 Genomes Project 0.00160.
gnomAD v4.1: 265 of 1,612,388 alleles (0.016%); highest among the groups gnomAD compares: Admixed American, 0.07%; no homozygotes.

Submissions (8):

Labcorp Genetics (formerly Invitae), Labcorp
Classification: Likely benign for Postaxial polydactyly-anterior pituitary anomalies-facial dysmorphism syndrome; Holoprosencephaly 9. Last evaluated: 2025-08-25. Review status: criteria provided, single submitter. Criteria: Invitae Variant Classification Sherloc (09022015). Collection method: clinical testing. Allele origin: germline.

Women's Health and Genetics/Laboratory Corporation of America, LabCorp
Classification: Likely benign. Last evaluated: 2024-04-05. Review status: criteria provided, single submitter. Criteria: LabCorp Variant Classification Summary - May 2015. Collection method: clinical testing. Allele origin: germline.
Comment: Variant summary: GLI2 c.3623G>A (p.Arg1208His) results in a non-conservative amino acid change in the encoded protein sequence. Four of five in-silico tools predict a benign effect of the variant on protein function. The variant allele was found at a frequency of 0.00023 in 244188 control chromosomes, with 57 heterozygotes in gnomAD v2. To our knowledge, no occurrence of c.3623G>A in individuals affected with GLI2-Related Disorders and no experimental evidence demonstrating its impact on protein function have been reported. ClinVar contains an entry for this variant (Variation ID: 784880). Based on the evidence outlined above, the variant was classified as likely benign.

CeGaT Center for Human Genetics Tuebingen
Classification: Likely benign. Last evaluated: 2023-02-01. Review status: criteria provided, single submitter. Criteria: CeGaT Center For Human Genetics Tuebingen Variant Classification Criteria Version 2. Collection method: clinical testing. Allele origin: germline. Affected: yes. Observed: 1 variant allele.
Comment: GLI2: BP4

Illumina Laboratory Services, Illumina
Classification: Likely benign for Holoprosencephaly 9. Last evaluated: 2018-01-12. Review status: criteria provided, single submitter. Criteria: ICSL Variant Classification Criteria 13 December 2019. Collection method: clinical testing. Allele origin: germline.
Comment: This variant was observed in the ICSL laboratory as part of a predisposition screen in an ostensibly healthy population. It had not been previously curated by ICSL or reported in the Human Gene Mutation Database (HGMD: prior to June 1st, 2018), and was therefore a candidate for classification through an automated scoring system. Utilizing variant allele frequency, disease prevalence and penetrance estimates, and inheritance mode, an automated score was calculated to assess if this variant is too frequent to cause the disease. Based on the score and internal cut-off values, a variant classified as likely benign is not then subjected to further curation. The score for this variant resulted in a classification of likely benign for this disease.

Breakthrough Genomics
Classification: Likely benign. Review status: criteria provided, single submitter. Criteria: ACMG Guidelines, 2015. Collection method: not provided. Allele origin: germline. Inheritance: Autosomal dominant inheritance. Affected: yes.

PreventionGenetics, part of Exact Sciences
Classification: Likely benign for GLI2-related condition. Last evaluated: 2022-08-02. Review status: no assertion criteria provided. Collection method: clinical testing. Allele origin: germline. Not counted in ClinVar's aggregate classification.
Comment: This variant is classified as likely benign based on ACMG/AMP sequence variant interpretation guidelines (Richards et al. 2015 PMID: 25741868, with internal and published modifications).

Clinical Genetics DNA and cytogenetics Diagnostics Lab, Erasmus MC, Erasmus Medical Center
Classification: Likely benign. Review status: no assertion criteria provided. Collection method: clinical testing. Allele origin: germline. Affected: yes. Study: VKGL Data-share Consensus. Not counted in ClinVar's aggregate classification.

Laboratory of Diagnostic Genome Analysis, Leiden University Medical Center (LUMC)
Classification: Likely benign. Review status: no assertion criteria provided. Collection method: clinical testing. Allele origin: germline. Affected: yes. Study: VKGL Data-share Consensus. Not counted in ClinVar's aggregate classification.